The following is an entry in ClinVar:

ClinVar aggregate classification (germline): Uncertain significance (1 of 4 stars; one submission).

Submission:

Labcorp Genetics (formerly Invitae), Labcorp
Classification: Uncertain significance. Last evaluated: 2023-07-17. Review status: criteria provided, single submitter. Criteria: Invitae Variant Classification Sherloc (09022015). Collection method: clinical testing. Allele origin: germline.
Comment: Advanced modeling of protein sequence and biophysical properties (such as structural, functional, and spatial information, amino acid conservation, physicochemical variation, residue mobility, and thermodynamic stability) performed at Invitae indicates that this missense variant is not expected to disrupt ATP6AP1 protein function. ClinVar contains an entry for this variant (Variation ID: 1442544). This variant has not been reported in the literature in individuals affected with ATP6AP1-related conditions. This variant is not present in population databases (gnomAD no frequency). This sequence change replaces tyrosine, which is neutral and polar, with histidine, which is basic and polar, at codon 147 of the ATP6AP1 protein (p.Tyr147His). In summary, the available evidence is currently insufficient to determine the role of this variant in disease. Therefore, it has been classified as a Variant of Uncertain Significance.

NM_001183.6(ATP6AP1):c.439T>C (p.Tyr147His)

Gene: ATP6AP1 (ATPase H+ transporting accessory protein 1; plus strand). Cytogenetic location: Xq28.
Variant type: single nucleotide variant.
Coding change: c.439T>C on transcript NM_001183.6 (MANE Select); coding-DNA position 439, T replaced by C.
Protein change: p.Tyr147His; replaces tyrosine 147 with histidine.
Molecular consequence: missense variant.
Genome position (GRCh38, 1-based): chrX:154,432,341, T>C. VCF-style: chrX-154432341-T-C. GRCh37 (hg19) VCF-style: chrX-153660687-T-C.
Other names: short protein forms Y147H.
Identifiers: ClinVar variation 1442544 (VCV001442544.8), dbSNP rs2148223383, ClinGen allele CA415189508.